The following is an entry in ClinVar:

ClinVar aggregate classification (germline): Uncertain significance (1 of 4 stars; one submission).

Allele frequency attached by ClinVar (database versions not stated): gnomAD exomes below 0.00001 and 0.00003; TOPMed 0.00001; gnomAD 0.00002.
gnomAD v4.1: 48 of 1,595,040 alleles (0.003%); highest among the groups gnomAD compares: Non-Finnish European, 0.004%; no homozygotes.

Submission:

Labcorp Genetics (formerly Invitae), Labcorp
Classification: Uncertain significance. Last evaluated: 2022-08-16. Review status: criteria provided, single submitter. Criteria: Invitae Variant Classification Sherloc (09022015). Collection method: clinical testing. Allele origin: germline.
Comment: This sequence change replaces valine, which is neutral and non-polar, with methionine, which is neutral and non-polar, at codon 577 of the AEBP1 protein (p.Val577Met). This variant is present in population databases (rs200666867, gnomAD 0.001%). This variant has not been reported in the literature in individuals affected with AEBP1-related conditions. ClinVar contains an entry for this variant (Variation ID: 1474819). Algorithms developed to predict the effect of missense changes on protein structure and function are either unavailable or do not agree on the potential impact of this missense change (SIFT: "Deleterious"; PolyPhen-2: "Probably Damaging"; Align-GVGD: "Class C0"). Algorithms developed to predict the effect of sequence changes on RNA splicing suggest that this variant may create or strengthen a splice site. In summary, the available evidence is currently insufficient to determine the role of this variant in disease. Therefore, it has been classified as a Variant of Uncertain Significance.

NM_001129.5(AEBP1):c.1729G>A (p.Val577Met)

Gene: AEBP1 (AE binding protein 1; plus strand). Cytogenetic location: 7p13.
Variant type: single nucleotide variant.
Coding change: c.1729G>A on transcript NM_001129.5 (MANE Select); coding-DNA position 1729, G replaced by A.
Protein change: p.Val577Met; replaces valine 577 with methionine.
Molecular consequence: missense variant.
Genome position (GRCh38, 1-based): chr7:44,111,519, G>A. VCF-style: chr7-44111519-G-A. GRCh37 (hg19) VCF-style: chr7-44151118-G-A.
Other names: short protein forms V577M.
Identifiers: ClinVar variation 1474819 (VCV001474819.3), dbSNP rs200666867, ClinGen allele CA157881394.